The following is an entry in ClinVar:

NM_007157.4(ZXDB):c.792C>T (p.Ser264=)

Genes: ZXDB (zinc finger X-linked duplicated B; plus strand), LOC130068357 (ATAC-STARR-seq lymphoblastoid silent region 20872; plus strand). Cytogenetic location: Xp11.21.
Variant type: single nucleotide variant.
Coding change: c.792C>T on transcript NM_007157.4 (MANE Select); coding-DNA position 792, C replaced by T.
Protein change: p.Ser264=; no amino-acid change (serine 264 retained).
Molecular consequence: synonymous variant.
Genome position (GRCh38, 1-based): chrX:57,592,840, C>T. VCF-style: chrX-57592840-C-T. GRCh37 (hg19) VCF-style: chrX-57619273-C-T.
Identifiers: ClinVar variation 2660728 (VCV002660728.24), dbSNP rs372019013, ClinGen allele CA10431158.

ClinVar aggregate classification (germline): Likely benign (1 of 4 stars; one submission).

Allele frequency attached by ClinVar (database versions not stated): gnomAD 0.00005; TOPMed 0.00009; ExAC 0.00014.

Submission:

CeGaT Center for Human Genetics Tuebingen
Classification: Likely benign. Last evaluated: 2022-08-01. Review status: criteria provided, single submitter. Criteria: CeGaT Center For Human Genetics Tuebingen Variant Classification Criteria Version 2. Collection method: clinical testing. Allele origin: germline. Affected: yes. Observed: 2 variant alleles.
Comment: ZXDB: BP4, BP7